The following is an entry in ClinVar:

NM_031407.7(HUWE1):c.382A>C (p.Met128Leu)

Gene: HUWE1 (HECT, UBA and WWE domain containing E3 ubiquitin protein ligase 1; minus strand). Cytogenetic location: Xp11.22.
Variant type: single nucleotide variant.
Coding change: c.382A>C on transcript NM_031407.7 (MANE Select); coding-DNA position 382, A replaced by C.
Protein change: p.Met128Leu; replaces methionine 128 with leucine.
Molecular consequence: missense variant.
Genome position (GRCh38, 1-based): chrX:53,645,433, T>G on the plus strand (A>C on the coding strand, the complement: HUWE1 is on the minus strand). VCF-style: chrX-53645433-T-G. GRCh37 (hg19) VCF-style: chrX-53672385-T-G.
Other names: c.382A>C, p.Met128Leu (NM_001441048.1, NM_001441049.1, NM_001441050.1 and 8 more transcripts); short protein forms M128L.
Identifiers: ClinVar variation 5009896 (VCV005009896.1).

ClinVar aggregate classification (germline): Uncertain significance (1 of 4 stars; one submission).

Submission:

GeneDx
Classification: Uncertain significance. Last evaluated: 2026-02-20. Review status: criteria provided, single submitter. Criteria: GeneDx Variant Classification Process June 2021. Collection method: clinical testing. Allele origin: germline.
Comment: Not observed at significant frequency in large population cohorts (gnomAD); In silico analysis suggests that this missense variant does not alter protein structure/function; Has not been previously published as pathogenic or benign to our knowledge